The following is an entry in ClinVar:

ClinVar aggregate classification (germline): Uncertain significance (1 of 4 stars; one submission).

Conditions:
Cardiovascular phenotype. Identifiers: MedGen CN230736.
Hereditary cancer-predisposing syndrome. Also called: Neoplastic Syndromes, Hereditary; Tumor predisposition; Hereditary neoplastic syndrome; Hereditary Cancer Syndrome. Identifiers: Orphanet 140162, MedGen C0027672, MeSH D009386, MONDO:0015356.

gnomAD v4.1: 1 of 1,613,852 alleles (0.000062%); highest among the groups gnomAD compares: Non-Finnish European, 0.000085%; no homozygotes.

Submission:

Ambry Genetics
Classification: Uncertain significance for Cardiovascular phenotype; Hereditary cancer-predisposing syndrome. Last evaluated: 2026-07-06. Review status: criteria provided, single submitter. Criteria: Ambry Variant Classification Scheme 2023. Collection method: clinical testing. Allele origin: germline.
Comment: The p.K943R variant (also known as c.2828A>G), located in coding exon 21 of the NF1 gene, results from an A to G substitution at nucleotide position 2828. The lysine at codon 943 is replaced by arginine, an amino acid with highly similar properties. This amino acid position is conserved. In addition, this alteration is predicted to be tolerated by in silico analysis. Based on the available evidence, the clinical significance of this variant remains unclear.

NM_001042492.3(NF1):c.2828A>G (p.Lys943Arg)

Gene: NF1 (neurofibromin 1; plus strand). Cytogenetic location: 17q11.2.
Variant type: single nucleotide variant.
Coding change: c.2828A>G on transcript NM_001042492.3 (MANE Select); coding-DNA position 2828, A replaced by G.
Protein change: p.Lys943Arg; replaces lysine 943 with arginine.
Molecular consequence: missense variant.
Genome position (GRCh38, 1-based): chr17:31,229,443, A>G. VCF-style: chr17-31229443-A-G. GRCh37 (hg19) VCF-style: chr17-29556461-A-G.
Other names: c.2828A>G, p.Lys943Arg (NM_000267.4); short protein forms K943R.
Identifiers: ClinVar variation 5025519 (VCV005025519.1).